The following is an entry in ClinVar:

NM_144631.6(ZNF513):c.163G>A (p.Gly55Ser)

Gene: ZNF513 (zinc finger protein 513; minus strand). Cytogenetic location: 2p23.3.
Variant type: single nucleotide variant.
Coding change: c.163G>A on transcript NM_144631.6 (MANE Select); coding-DNA position 163, G replaced by A.
Protein change: p.Gly55Ser; replaces glycine 55 with serine.
Molecular consequence: missense variant. On other transcripts: 5 prime UTR variant (1).
Genome position (GRCh38, 1-based): chr2:27,380,141, C>T on the plus strand (G>A on the coding strand, the complement: ZNF513 is on the minus strand). VCF-style: chr2-27380141-C-T. GRCh37 (hg19) VCF-style: chr2-27603008-C-T.
Other names: c.-24G>A (NM_001201459.2); short protein forms G55S.
Identifiers: ClinVar variation 4734101 (VCV004734101.1).

ClinVar aggregate classification (germline): Uncertain significance (1 of 4 stars; one submission).

Submission:

Labcorp Genetics (formerly Invitae), Labcorp
Classification: Uncertain significance. Last evaluated: 2025-12-29. Review status: criteria provided, single submitter. Criteria: Invitae Variant Classification Sherloc (09022015). Collection method: clinical testing. Allele origin: germline.
Comment: This sequence change replaces glycine, which is neutral and non-polar, with serine, which is neutral and polar, at codon 55 of the ZNF513 protein (p.Gly55Ser). This variant is not present in population databases (gnomAD no frequency). This variant has not been reported in the literature in individuals affected with ZNF513-related conditions. An algorithm developed to predict the effect of missense changes on protein structure and function (PolyPhen-2) suggests that this variant is likely to be disruptive. In summary, the available evidence is currently insufficient to determine the role of this variant in disease. Therefore, it has been classified as a Variant of Uncertain Significance.